The following is an entry in ClinVar:

ClinVar aggregate classification (germline): Likely benign (1 of 4 stars; one submission).

Conditions:
CREBBP-related disorder. Also called: CREBBP-related condition; CREBBP-related disorders.

Submission:

PreventionGenetics, part of Exact Sciences
Classification: Likely benign for CREBBP-related condition. Last evaluated: 2024-10-11. Review status: criteria provided, single submitter. Criteria: ACMG Guidelines, 2015. Collection method: clinical testing. Allele origin: germline.
Comment: This variant is classified as likely benign based on ACMG/AMP sequence variant interpretation guidelines (Richards et al. 2015 PMID: 25741868, with internal and published modifications).

NM_004380.3(CREBBP):c.4729-3C>T

Gene: CREBBP (CREB binding lysine acetyltransferase; minus strand). Cytogenetic location: 16p13.3.
Variant type: single nucleotide variant.
Coding change: c.4729-3C>T on transcript NM_004380.3 (MANE Select); 3 bases into the intron before coding-DNA position 4729, C replaced by T.
Molecular consequence: intron variant.
Genome position (GRCh38, 1-based): chr16:3,731,940, G>A on the plus strand (C>T on the coding strand, the complement: CREBBP is on the minus strand). VCF-style: chr16-3731940-G-A. GRCh37 (hg19) VCF-style: chr16-3781941-G-A.
Other names: c.4615-3C>T (NM_001079846.1).
Identifiers: ClinVar variation 4997884 (VCV004997884.1).